The following is an entry in ClinVar:

ClinVar aggregate classification (germline): Conflicting classifications of pathogenicity. Review status: criteria provided, conflicting classifications (1 of 4 stars). 5 submissions from 5 submitters: Uncertain significance (3); Likely benign (1). 1 of the submissions does not count toward it. Last evaluated 2024-09-14.

Conditions:
AKAP9-related disorder. Also called: AKAP9-related condition.
Cardiovascular phenotype. Identifiers: MedGen CN230736.
Long QT syndrome (LQTS). Identifiers: MedGen C0023976, MeSH D008133, MONDO:0002442. Disease mechanism: loss of function. Inheritance: Various modes of inheritance.

Allele frequency attached by ClinVar (database versions not stated): ESP Exome Variant Server 0.00008; TOPMed 0.00013.
gnomAD v4.1: 50 of 1,613,628 alleles (0.0031%); highest among the groups gnomAD compares: Admixed American, 0.022%; no homozygotes.

Submissions (5):

Ambry Genetics
Classification: Uncertain significance for Cardiovascular phenotype. Last evaluated: 2024-09-14. Review status: criteria provided, single submitter. Criteria: Ambry Variant Classification Scheme 2023. Collection method: clinical testing. Allele origin: germline.
Comment: The p.I1643L variant (also known as c.4927A>C), located in coding exon 19 of the AKAP9 gene, results from an A to C substitution at nucleotide position 4927. The isoleucine at codon 1643 is replaced by leucine, an amino acid with highly similar properties. This variant was reported in a case of sudden infant death along with variants in other cardiac-related genes; however, p.I1643L was also detected in relatives with normal cardiovascular screening (Campuzano O et al. Forensic Sci Int. 2014;242:9-15). This amino acid position is not well conserved in available vertebrate species, and leucine is the reference amino acid in other vertebrate species. In addition, this alteration is predicted to be tolerated by in silico analysis. Since supporting evidence is limited at this time, the clinical significance of this alteration remains unclear.

Labcorp Genetics (formerly Invitae), Labcorp
Classification: Uncertain significance for Long QT syndrome. Last evaluated: 2024-08-28. Review status: criteria provided, single submitter. Criteria: Invitae Variant Classification Sherloc (09022015). Collection method: clinical testing. Allele origin: germline.
Comment: This sequence change replaces isoleucine, which is neutral and non-polar, with leucine, which is neutral and non-polar, at codon 1643 of the AKAP9 protein (p.Ile1643Leu). This variant is present in population databases (rs141990258, gnomAD 0.009%). This variant has not been reported in the literature in individuals affected with AKAP9-related conditions. ClinVar contains an entry for this variant (Variation ID: 190485). An algorithm developed to predict the effect of missense changes on protein structure and function outputs the following: PolyPhen-2: "Benign". The leucine amino acid residue is found in multiple mammalian species, which suggests that this missense change does not adversely affect protein function. In summary, the available evidence is currently insufficient to determine the role of this variant in disease. Therefore, it has been classified as a Variant of Uncertain Significance.

Blueprint Genetics
Classification: Likely benign. Last evaluated: 2024-06-12. Review status: criteria provided, single submitter. Criteria: ACMG Guidelines, 2015. Collection method: clinical testing. Allele origin: germline.

GeneDx
Classification: Uncertain significance. Last evaluated: 2021-03-04. Review status: criteria provided, single submitter. Criteria: GeneDx Variant Classification Process June 2021. Collection method: clinical testing. Allele origin: germline. Affected: yes.
Comment: Reported in a patient with sudden infant death syndrome (SIDS) who also harbored additional cardiogenetic variants (Campuzano et al., 2014); Reported in ClinVar as a variant of uncertain significance (ClinVar Variant ID# 190485; Landrum et al., 2016); In silico analysis supports that this missense variant does not alter protein structure/function; This variant is associated with the following publications: (PMID: 25016126)

PreventionGenetics, part of Exact Sciences
Classification: Uncertain significance for AKAP9-related condition. Last evaluated: 2023-12-26. Review status: no assertion criteria provided. Collection method: clinical testing. Allele origin: germline. Not counted in ClinVar's aggregate classification.
Comment: The AKAP9 c.4927A>C variant is predicted to result in the amino acid substitution p.Ile1643Leu. This variant was reported in an individual with sudden infant death, and was also present in the unaffected mother and sibling (Campuzano et al. 2014. PubMed ID: 25016126). This variant is reported in 0.012% of alleles in individuals of Latino descent in gnomAD. At this time, the clinical significance of this variant is uncertain due to the absence of conclusive functional and genetic evidence.

Literature cited by the submitters: PubMed 25016126 (cited by Ambry Genetics).

NM_005751.5(AKAP9):c.4927A>C (p.Ile1643Leu)

Genes: AKAP9 (A-kinase anchoring protein 9; plus strand), LOC121175350 (Sharpr-MPRA regulatory region 2641; plus strand). Cytogenetic location: 7q21.2.
Variant type: single nucleotide variant.
Coding change: c.4927A>C on transcript NM_005751.5 (MANE Select); coding-DNA position 4927, A replaced by C.
Protein change: p.Ile1643Leu; replaces isoleucine 1643 with leucine.
Molecular consequence: missense variant.
Genome position (GRCh38, 1-based): chr7:92,042,055, A>C. VCF-style: chr7-92042055-A-C. GRCh37 (hg19) VCF-style: chr7-91671369-A-C.
Other names: p.I1643L:ATA>CTA; c.4927A>C, p.Ile1643Leu (NM_147185.3); short protein forms I1643L.
Identifiers: ClinVar variation 190485 (VCV000190485.18), dbSNP rs141990258, ClinGen allele CA300608.